The following is an entry in ClinVar:

NM_024996.7(GFM1):c.1615C>A (p.His539Asn)

Gene: GFM1 (G elongation factor mitochondrial 1; plus strand). Cytogenetic location: 3q25.32.
Variant type: single nucleotide variant.
Coding change: c.1615C>A on transcript NM_024996.7 (MANE Select); coding-DNA position 1615, C replaced by A.
Protein change: p.His539Asn; replaces histidine 539 with asparagine.
Molecular consequence: missense variant. On other transcripts: non-coding transcript variant (4).
Genome position (GRCh38, 1-based): chr3:158,682,008, C>A. VCF-style: chr3-158682008-C-A. GRCh37 (hg19) VCF-style: chr3-158399797-C-A.
Other names: c.1672C>A, p.His558Asn (NM_001308164.2); c.1615C>A, p.His539Asn (NM_001308166.2); c.1534C>A, p.His512Asn (NM_001374355.1); c.1498C>A, p.His500Asn (NM_001374356.1); c.1390C>A, p.His464Asn (NM_001374357.1); c.1156C>A, p.His386Asn (NM_001374358.1); c.1048C>A, p.His350Asn (NM_001374359.1, NM_001374360.1); c.931C>A, p.His311Asn (NM_001374361.1); short protein forms H386N, H539N, H558N, H311N, H512N, H350N, H464N, H500N.
Identifiers: ClinVar variation 4088118 (VCV004088118.1).
Genomic context (GRCh38, chr3:158,682,008, plus strand): 5'-TTGTAATTACATAATGCTCCATTTTTTTTTTCCTAAATCACTTTCAGGTTTGACTTTACA[C>A]ATAAAAAACAATCAGGTGGTGCAGGCCAGTATGGAAAAGTAATAGGTGTCCTGGAGCCTC-3'
Protein context (NP_079272.4, residues 529-549): ITAPVPFDFT[His539Asn]KKQSGGAGQY

ClinVar aggregate classification (germline): Uncertain significance (1 of 4 stars; one submission).

gnomAD v4.1: 136 of 1,612,012 alleles (0.0084%); highest among the groups gnomAD compares: Non-Finnish European, 0.012%; no homozygotes.

Submission:

GeneDx
Classification: Uncertain significance. Last evaluated: 2025-03-26. Review status: criteria provided, single submitter. Criteria: GeneDx Variant Classification Process June 2021. Collection method: clinical testing. Allele origin: germline. Affected: yes.
Comment: Not observed at significant frequency in large population cohorts (gnomAD); In silico analysis supports that this missense variant has a deleterious effect on protein structure/function; Has not been previously published as pathogenic or benign to our knowledge